The following is an entry in ClinVar:

NM_024120.5(NDUFAF5):c.2T>C (p.Met1Thr)

Genes: NDUFAF5 (NADH:ubiquinone oxidoreductase complex assembly factor 5; plus strand), LOC130065433 (ATAC-STARR-seq lymphoblastoid active region 17552; plus strand). Cytogenetic location: 20p12.1.
Variant type: single nucleotide variant.
Coding change: c.2T>C on transcript NM_024120.5 (MANE Select); coding-DNA position 2, T replaced by C.
Protein change: p.Met1Thr; changes the start codon (methionine 1).
Molecular consequence: missense variant, initiator codon variant. On other transcripts: 5 prime UTR variant (3), non-coding transcript variant (7).
Genome position (GRCh38, 1-based): chr20:13,785,070, T>C. VCF-style: chr20-13785070-T-C. GRCh37 (hg19) VCF-style: chr20-13765716-T-C.
Other names: c.2T>C, p.Met1Thr (NM_001039375.3, NM_001352408.2); c.-366T>C (NM_001352403.2); c.-580T>C (NM_001352406.2); c.-694T>C (NM_001352407.2); short protein forms M1T.
Identifiers: ClinVar variation 4816121 (VCV004816121.1).

ClinVar aggregate classification (germline): Likely pathogenic (1 of 4 stars; one submission).

Conditions:
Mitochondrial complex I deficiency. Also called: NADH:Q(1) OXIDOREDUCTASE DEFICIENCY. Identifiers: Orphanet 2609, MedGen C1838979, MeSH C537475, MONDO:0100133.

Submission:

Natera, Inc.
Classification: Likely pathogenic for Mitochondrial complex I deficiency. Last evaluated: 2025-02-19. Review status: criteria provided, single submitter. Criteria: Natera Variant Classification Schema (03/2026). Collection method: clinical testing. Allele origin: germline.
Comment: The c.2T>C variant in NDUFAF5 is predicted to result in start loss due to disruption of the initiator methionine. This variant is expected to result in nonsense mediated decay, truncation, or a dysfunctional protein product. This variant is rare in the general population with a frequency below the threshold expected for the associated phenotype(s). This variant has been observed in one or more individuals affected with the associated recessive disease, as either homozygous or compound heterozygous with a second variant (PMID: 35379322). Given the available evidence, this variant is classified as Likely Pathogenic.

Literature cited by the submitters: PubMed 35379322.